The following is an entry in ClinVar:

Single allele

Variant type: Deletion.
Identifiers: ClinVar variation 559469 (VCV000559469.3).

ClinVar aggregate classification (germline): Likely pathogenic (1 of 4 stars; one submission).

Submission:

Geisinger Autism and Developmental Medicine Institute, Geisinger Health System
Classification: Likely pathogenic. Last evaluated: 2018-03-22. Review status: criteria provided, single submitter. Criteria: ACMG CNV Guidelines, 2011. Collection method: provider interpretation. Allele origin: unknown.
Comment: The deletion includes the 5' end of the NRXN1 gene and deletes exons 1-5 of the alpha isoform. Variants in the NRXN1 gene, including intragenic copy number variants, have been associated with a variable neurodevelopmental diagnoses including autism spectrum disorders, intellectual disability, epilepsy, and schizophrenia. The features are variable from individual to individual. 2p16.3 deletions and variants in the NRXN1 gene have also been reported in healthy controls and unaffected parents of individuals with neuropsychiatric disorders indicating reduced penetrance or variable expressivity (Schaaf et al. 2012; Bena et al. 2013).

Literature cited by the submitters: PubMed 22617343; PubMed 23533028.